The following is an entry in ClinVar:

NM_013254.4(TBK1):c.814G>A (p.Gly272Ser)

Gene: TBK1 (TANK binding kinase 1; plus strand). Cytogenetic location: 12q14.2.
Variant type: single nucleotide variant.
Coding change: c.814G>A on transcript NM_013254.4 (MANE Select); coding-DNA position 814, G replaced by A.
Protein change: p.Gly272Ser; replaces glycine 272 with serine.
Molecular consequence: missense variant.
Genome position (GRCh38, 1-based): chr12:64,481,843, G>A. VCF-style: chr12-64481843-G-A. GRCh37 (hg19) VCF-style: chr12-64875623-G-A.
Other names: short protein forms G272S.
Identifiers: ClinVar variation 4797566 (VCV004797566.1).

ClinVar aggregate classification (germline): Uncertain significance (1 of 4 stars; one submission).

Conditions:
Frontotemporal dementia and/or amyotrophic lateral sclerosis 4. Also called: FTDALS4. Identifiers: Orphanet 275872, MedGen C4225325, MONDO:0014641, OMIM 616439.

gnomAD v4.1: 1 of 1,574,398 alleles (0.000064%); highest among the groups gnomAD compares: Non-Finnish European, 0.000086%; no homozygotes.

Submission:

Labcorp Genetics (formerly Invitae), Labcorp
Classification: Uncertain significance for Frontotemporal dementia and/or amyotrophic lateral sclerosis 4. Last evaluated: 2025-02-06. Review status: criteria provided, single submitter. Criteria: Invitae Variant Classification Sherloc (09022015). Collection method: clinical testing. Allele origin: germline.
Comment: This sequence change replaces glycine, which is neutral and non-polar, with serine, which is neutral and polar, at codon 272 of the TBK1 protein (p.Gly272Ser). This variant is not present in population databases (gnomAD no frequency). This variant has not been reported in the literature in individuals affected with TBK1-related conditions. An algorithm developed to predict the effect of missense changes on protein structure and function (PolyPhen-2) suggests that this variant is likely to be disruptive. In summary, the available evidence is currently insufficient to determine the role of this variant in disease. Therefore, it has been classified as a Variant of Uncertain Significance.